The following is an entry in ClinVar:

NM_003482.4(KMT2D):c.2293G>C (p.Ala765Pro)

Gene: KMT2D (lysine methyltransferase 2D; minus strand). Cytogenetic location: 12q13.12.
Variant type: single nucleotide variant.
Coding change: c.2293G>C on transcript NM_003482.4 (MANE Select); coding-DNA position 2293, G replaced by C.
Protein change: p.Ala765Pro; replaces alanine 765 with proline.
Molecular consequence: missense variant.
Genome position (GRCh38, 1-based): chr12:49,051,390, C>G on the plus strand (G>C on the coding strand, the complement: KMT2D is on the minus strand). VCF-style: chr12-49051390-C-G. GRCh37 (hg19) VCF-style: chr12-49445173-C-G.
Other names: short protein forms A765P.
Identifiers: ClinVar variation 2978386 (VCV002978386.3), dbSNP rs560581125, ClinGen allele CA236619387.
Genomic context (GRCh38, chr12:49,051,390, plus strand): 5'-CCTCAGGCACAGCGCATAGGCATGGCTCCTCAGGCTGGGGGGACAGGTGTGGCTCCTCAG[C>G]CTGCGGAGATAGGTGTGGCTCCTCAGGCCGGGGGGACAGGTGCGGCTCCTCAGGCCGGGG-3'
Protein context (NP_003473.3, residues 755-775): RPEEPHLSPQ[Ala765Pro]EEPHLSPQPE

ClinVar aggregate classification (germline): Uncertain significance (1 of 4 stars; one submission).

Conditions:
Kabuki syndrome. Also called: NIIKAWA-KUROKI SYNDROME; Kabuki make-up syndrome. Identifiers: Orphanet 2322, MedGen C0796004, MONDO:0016512.

Allele frequency attached by ClinVar (database versions not stated): 1000 Genomes Project 0.00619.

Submission:

Labcorp Genetics (formerly Invitae), Labcorp
Classification: Uncertain significance for Kabuki syndrome. Last evaluated: 2025-06-29. Review status: criteria provided, single submitter. Criteria: Invitae Variant Classification Sherloc (09022015). Collection method: clinical testing. Allele origin: germline.
Comment: This sequence change replaces alanine, which is neutral and non-polar, with proline, which is neutral and non-polar, at codon 765 of the KMT2D protein (p.Ala765Pro). This variant is not present in population databases (gnomAD no frequency). This variant has not been reported in the literature in individuals affected with KMT2D-related conditions. ClinVar contains an entry for this variant (Variation ID: 2978386). Invitae Evidence Modeling of protein sequence and biophysical properties (such as structural, functional, and spatial information, amino acid conservation, physicochemical variation, residue mobility, and thermodynamic stability) indicates that this missense variant is not expected to disrupt KMT2D protein function with a negative predictive value of 95%. In summary, the available evidence is currently insufficient to determine the role of this variant in disease. Therefore, it has been classified as a Variant of Uncertain Significance.